The following is an entry in ClinVar:

NM_145691.4(ATPAF2):c.98del (p.Ile33fs)

Genes: ATPAF2 (ATP synthase mitochondrial F1 complex assembly factor 2; minus strand), LOC130060410 (ATAC-STARR-seq lymphoblastoid active region 11821; plus strand). Cytogenetic location: 17p11.2.
Variant type: Deletion.
Coding change: c.98del on transcript NM_145691.4 (MANE Select); coding-DNA position 98, one base deleted (T; older notation c.98delT).
Protein change: p.Ile33fs; shifts the reading frame from isoleucine 33.
Molecular consequence: frameshift variant.
Genome position (GRCh38, 1-based): chr17:18,038,916, A deleted on the plus strand (T on the coding strand, the reverse complement: ATPAF2 is on the minus strand). VCF-style (leftmost placement, unchanged base first): chr17-18038915-GA-G. GRCh37 (hg19) VCF-style: chr17-17942229-GA-G.
Other names: short protein forms I33fs.
Identifiers: ClinVar variation 930235 (VCV000930235.3), dbSNP rs2044747934, ClinGen allele CA1139665270.
Genomic context (GRCh38, chr17:18,038,915, plus strand): 5'-CCCAAAAGAACATGTCATGGTCTTACCTGTCGGCGGGGCGTAAGCCCGGGCTGGAGACGG[GA>G]TGGTTGGCCCCGGACTCATAGAAGCGCTGGGGCCACCCGCCGGCCGATTCAGGAGACGGC-3'

ClinVar aggregate classification (germline): Likely pathogenic (1 of 4 stars; one submission).

Conditions:
Mitochondrial complex V (ATP synthase) deficiency, nuclear type 1. Also called: Nuclear-Encoded ATPase Deficiency, ATPAF2-Related; MITOCHONDRIAL COMPLEX V (ATP SYNTHASE) DEFICIENCY, ATPAF2 TYPE. Identifiers: Orphanet 254913, MedGen C3276276, MONDO:0011421, OMIM 604273.

Submission:

Centre for Mendelian Genomics, University Medical Centre Ljubljana
Classification: Likely pathogenic for Mitochondrial complex V (ATP synthase) deficiency, nuclear type 1. Last evaluated: 2018-09-27. Review status: criteria provided, single submitter. Criteria: ACMG Guidelines, 2015. Collection method: clinical testing. Allele origin: unknown. Affected: yes.
Comment: This variant was classified as: Likely pathogenic. The following ACMG criteria were applied in classifying this variant: PVS1,PM2.